The following is an entry in ClinVar:

ClinVar aggregate classification (germline): Pathogenic. Review status: criteria provided, multiple submitters, no conflicts (2 of 4 stars). 2 submissions from 2 submitters: Pathogenic (2). Last evaluated 2024-11-12.

Conditions:
Hematuria, benign familial, 1 (BFH1). Also called: THIN MEMBRANE NEPHROPATHY. Identifiers: MedGen CN376803, MONDO:0007709, OMIM 141200.

Submissions (2):

Department of Clinical Genetics, Medical University of Lodz
Classification: Pathogenic for Hematuria, benign familial, 1. Last evaluated: 2024-11-12. Review status: criteria provided, single submitter. Criteria: ACMG Guidelines, 2015. Collection method: clinical testing. Allele origin: germline. Inheritance: Autosomal dominant inheritance. Affected: yes. Observed: 1 variant allele.
Comment: A loss-of-function variant identified in a disease-associated gene that is consistent with the observed phenotype.

Labcorp Genetics (formerly Invitae), Labcorp
Classification: Pathogenic. Last evaluated: 2022-06-20. Review status: criteria provided, single submitter. Criteria: Invitae Variant Classification Sherloc (09022015). Collection method: clinical testing. Allele origin: germline.
Comment: For these reasons, this variant has been classified as Pathogenic. Algorithms developed to predict the effect of sequence changes on RNA splicing suggest that this variant may create or strengthen a splice site. This variant has not been reported in the literature in individuals affected with COL4A4-related conditions. This variant is not present in population databases (gnomAD no frequency). This sequence change creates a premature translational stop signal (p.Ser32Cysfs*28) in the COL4A4 gene. It is expected to result in an absent or disrupted protein product. Loss-of-function variants in COL4A4 are known to be pathogenic (PMID: 21196518, 24854265, 25307543).

Literature cited by the submitters: DOI 10.1038/gim.2015.30 (cited by Department of Clinical Genetics, Medical University of Lodz); PubMed 21196518 (cited by Labcorp Genetics (formerly Invitae), Labcorp); PubMed 24854265 (cited by Labcorp Genetics (formerly Invitae), Labcorp); PubMed 25307543 (cited by Labcorp Genetics (formerly Invitae), Labcorp).

NM_000092.5(COL4A4):c.93_94del (p.Ser32fs)

Gene: COL4A4 (collagen type IV alpha 4 chain; minus strand). Cytogenetic location: 2q36.3.
Variant type: Deletion.
Coding change: c.93_94del on transcript NM_000092.5 (MANE Select); coding-DNA positions 93 to 94, 2 bases deleted (TT; older notation c.93_94delTT).
Protein change: p.Ser32fs; shifts the reading frame from serine 32.
Molecular consequence: frameshift variant.
Genome position (GRCh38, 1-based): chr2:227,144,536-227,144,537, AA deleted on the plus strand (TT on the coding strand, the reverse complement: COL4A4 is on the minus strand); deleting any 2 consecutive bases within chr2:227,144,536-227,144,539 gives the same sequence; the c. name uses the placement nearest the transcript's 3' end. VCF-style (leftmost placement, unchanged base first): chr2-227144535-GAA-G. GRCh37 (hg19) VCF-style: chr2-228009251-GAA-G.
Other names: short protein forms S32fs.
Identifiers: ClinVar variation 2008694 (VCV002008694.5), dbSNP rs1360606073, ClinGen allele CA765660207.
Genomic context (GRCh38, chr2:227,144,535, plus strand): 5'-TGAATTTTCACAACGCAACCAGAGCTAGTGAATGTACTTACCCCATATACATATTGTACA[GAA>G]AAGAGAATGAGTATAAGTGACCTACAGAAAAACAAAAACGCAGATTAATTTAAACAGTTT-3'